The following is an entry in ClinVar:

NM_000255.4(MMUT):c.1465_1484del (p.Val489fs)

Gene: MMUT (methylmalonyl-CoA mutase; minus strand). Cytogenetic location: 6p12.3.
Variant type: Deletion.
Coding change: c.1465_1484del on transcript NM_000255.4 (MANE Select); coding-DNA positions 1465 to 1484, 20 bases deleted (GTAAATAAGTACCAGTTGGA).
Protein change: p.Val489fs; shifts the reading frame from valine 489.
Molecular consequence: frameshift variant.
Genome position (GRCh38, 1-based): chr6:49,447,746-49,447,765, TCCAACTGGTACTTATTTAC deleted on the plus strand (GTAAATAAGTACCAGTTGGA on the coding strand, the reverse complement: MMUT is on the minus strand); deleting any 20 consecutive bases within chr6:49,447,746-49,447,771 gives the same sequence; the c. name uses the placement nearest the transcript's 3' end. VCF-style (leftmost placement, unchanged base first): chr6-49447745-TTCCAACTGGTACTTATTTAC-T. GRCh37 (hg19) VCF-style: chr6-49415458-TTCCAACTGGTACTTATTTAC-T.
Other names: short protein forms V489fs.
Identifiers: ClinVar variation 2872696 (VCV002872696.3), dbSNP rs2481326895, ClinGen allele CA2679046413.
Genomic context (GRCh38, chr6:49,447,745, plus strand): 5'-AATCTGCCTGTTTCGCACTGAAGTATTATCAATTGCCAGAACTTCTACAGCGTCTTCTTT[TTCCAACTGGTACTTATTTAC>T]TCCAACAATTACTTCAGAACCTGGTAATTTCCCAAAGAAAAATTTTATTCACAAATAATT-3'

ClinVar aggregate classification (germline): Pathogenic (1 of 4 stars; one submission).

Submission:

Labcorp Genetics (formerly Invitae), Labcorp
Classification: Pathogenic. Last evaluated: 2023-06-05. Review status: criteria provided, single submitter. Criteria: Invitae Variant Classification Sherloc (09022015). Collection method: clinical testing. Allele origin: germline.
Comment: For these reasons, this variant has been classified as Pathogenic. This variant has not been reported in the literature in individuals affected with MUT-related conditions. This variant is not present in population databases (gnomAD no frequency). This sequence change creates a premature translational stop signal (p.Val489Lysfs*11) in the MUT gene. It is expected to result in an absent or disrupted protein product. Loss-of-function variants in MUT are known to be pathogenic (PMID: 15781192).

Literature cited by the submitters: PubMed 15781192.